The following is an entry in ClinVar:

NM_015001.3(SPEN):c.10862A>T (p.Gln3621Leu)

Gene: SPEN (spen family transcriptional repressor; plus strand). Cytogenetic location: 1p36.13.
Variant type: single nucleotide variant.
Coding change: c.10862A>T on transcript NM_015001.3 (MANE Select); coding-DNA position 10862, A replaced by T.
Protein change: p.Gln3621Leu; replaces glutamine 3621 with leucine.
Molecular consequence: missense variant.
Genome position (GRCh38, 1-based): chr1:15,938,875, A>T. VCF-style: chr1-15938875-A-T. GRCh37 (hg19) VCF-style: chr1-16265370-A-T.
Other names: short protein forms Q3621L.
Identifiers: ClinVar variation 4528002 (VCV004528002.1).

ClinVar aggregate classification (germline): Uncertain significance (1 of 4 stars; one submission).

Submission:

GeneDx
Classification: Uncertain significance. Last evaluated: 2025-05-09. Review status: criteria provided, single submitter. Criteria: GeneDx Variant Classification Process June 2021. Collection method: clinical testing. Allele origin: germline. Affected: yes.
Comment: Not observed at significant frequency in large population cohorts (gnomAD); In silico analysis supports that this missense variant has a deleterious effect on protein structure/function; Has not been previously published as pathogenic or benign to our knowledge; In silico analysis is inconclusive as to whether the variant alters gene splicing. In the absence of RNA/functional studies, the actual effect of this sequence change is unknown.